The following is an entry in ClinVar:

NM_014795.4(ZEB2):c.239C>T (p.Pro80Leu)

Gene: ZEB2 (zinc finger E-box binding homeobox 2; minus strand). Cytogenetic location: 2q22.3.
Variant type: single nucleotide variant.
Coding change: c.239C>T on transcript NM_014795.4 (MANE Select); coding-DNA position 239, C replaced by T.
Protein change: p.Pro80Leu; replaces proline 80 with leucine.
Molecular consequence: missense variant.
Genome position (GRCh38, 1-based): chr2:144,429,861, G>A on the plus strand (C>T on the coding strand, the complement: ZEB2 is on the minus strand). VCF-style: chr2-144429861-G-A. GRCh37 (hg19) VCF-style: chr2-145187428-G-A.
Other names: c.239C>T, p.Pro80Leu (NM_001171653.2); short protein forms P80L.
Identifiers: ClinVar variation 2075696 (VCV002075696.5), dbSNP rs1239666726, ClinGen allele CA348718763.

ClinVar aggregate classification (germline): Conflicting classifications of pathogenicity. Review status: criteria provided, conflicting classifications (1 of 4 stars). 2 submissions from 2 submitters: Uncertain significance (1); Likely benign (1). Last evaluated 2024-10-16.

Conditions:
Mowat-Wilson syndrome (MOWS). Also called: Classic Mowat-Wilson Syndrome. Identifiers: Orphanet 2152, MedGen C1856113, MONDO:0009341, OMIM 235730.

Allele frequency attached by ClinVar (database versions not stated): gnomAD exomes below 0.00001; TOPMed below 0.00001.
gnomAD v4.1: 2 of 1,613,682 alleles (0.00012%); highest among the groups gnomAD compares: Non-Finnish European, 0.00017%; no homozygotes.

Submissions (2):

Labcorp Genetics (formerly Invitae), Labcorp
Classification: Likely benign for Mowat-Wilson syndrome. Last evaluated: 2024-10-16. Review status: criteria provided, single submitter. Criteria: Invitae Variant Classification Sherloc (09022015). Collection method: clinical testing. Allele origin: germline.

Women's Health and Genetics/Laboratory Corporation of America, LabCorp
Classification: Uncertain significance. Last evaluated: 2024-06-12. Review status: criteria provided, single submitter. Criteria: LabCorp Variant Classification Summary - May 2015. Collection method: clinical testing. Allele origin: germline.
Comment: Variant summary: ZEB2 c.239C>T (p.Pro80Leu) results in a non-conservative amino acid change in the encoded protein sequence. Three of five in-silico tools predict a damaging effect of the variant on protein function. The variant allele was found at a frequency of 4e-06 in 251038 control chromosomes. The available data on variant occurrences in the general population are insufficient to allow any conclusion about variant significance. To our knowledge, no occurrence of c.239C>T in individuals affected with Mowat-Wilson Syndrome and no experimental evidence demonstrating its impact on protein function have been reported. ClinVar contains an entry for this variant (Variation ID: 2075696). Based on the evidence outlined above, the variant was classified as uncertain significance.